The following is an entry in ClinVar:

NM_004995.4(MMP14):c.160A>G (p.Thr54Ala)

Gene: MMP14 (matrix metallopeptidase 14; plus strand). Cytogenetic location: 14q11.2.
Variant type: single nucleotide variant.
Coding change: c.160A>G on transcript NM_004995.4 (MANE Select); coding-DNA position 160, A replaced by G.
Protein change: p.Thr54Ala; replaces threonine 54 with alanine.
Molecular consequence: missense variant.
Genome position (GRCh38, 1-based): chr14:22,841,542, A>G. VCF-style: chr14-22841542-A-G. GRCh37 (hg19) VCF-style: chr14-23310751-A-G.
Other names: short protein forms T54A.
Identifiers: ClinVar variation 2122584 (VCV002122584.4), dbSNP rs1566481346, ClinGen allele CA388929143.

ClinVar aggregate classification (germline): Uncertain significance (1 of 4 stars; one submission).

Submission:

Labcorp Genetics (formerly Invitae), Labcorp
Classification: Uncertain significance. Last evaluated: 2022-08-27. Review status: criteria provided, single submitter. Criteria: Invitae Variant Classification Sherloc (09022015). Collection method: clinical testing. Allele origin: germline.
Comment: This variant has not been reported in the literature in individuals affected with MMP14-related conditions. This sequence change replaces threonine, which is neutral and polar, with alanine, which is neutral and non-polar, at codon 54 of the MMP14 protein (p.Thr54Ala). This variant is not present in population databases (gnomAD no frequency). Algorithms developed to predict the effect of missense changes on protein structure and function (SIFT, PolyPhen-2, Align-GVGD) all suggest that this variant is likely to be tolerated. In summary, the available evidence is currently insufficient to determine the role of this variant in disease. Therefore, it has been classified as a Variant of Uncertain Significance.